The following is an entry in ClinVar:

NM_020812.4(DOCK6):c.4969G>A (p.Glu1657Lys)

Genes: DOCK6 (dedicator of cytokinesis 6; minus strand), DOCK6-AS1 (DOCK6 antisense RNA 1; plus strand). Cytogenetic location: 19p13.2.
Variant type: single nucleotide variant.
Coding change: c.4969G>A on transcript NM_020812.4 (MANE Select); coding-DNA position 4969, G replaced by A.
Protein change: p.Glu1657Lys; replaces glutamic acid 1657 with lysine.
Molecular consequence: missense variant.
Genome position (GRCh38, 1-based): chr19:11,208,805, C>T on the plus strand (G>A on the coding strand, the complement: DOCK6 is on the minus strand). VCF-style: chr19-11208805-C-T. GRCh37 (hg19) VCF-style: chr19-11319481-C-T.
Other names: c.5074G>A, p.Glu1692Lys (NM_001367830.1); short protein forms E1657K, E1692K.
Identifiers: ClinVar variation 2114582 (VCV002114582.4), dbSNP rs2079309058, ClinGen allele CA404077106.

ClinVar aggregate classification (germline): Uncertain significance (1 of 4 stars; one submission).

Allele frequency attached by ClinVar (database versions not stated): TOPMed below 0.00001.

Submission:

Labcorp Genetics (formerly Invitae), Labcorp
Classification: Uncertain significance. Last evaluated: 2022-03-19. Review status: criteria provided, single submitter. Criteria: Invitae Variant Classification Sherloc (09022015). Collection method: clinical testing. Allele origin: germline.
Comment: Algorithms developed to predict the effect of missense changes on protein structure and function are either unavailable or do not agree on the potential impact of this missense change (SIFT: "Deleterious"; PolyPhen-2: "Probably Damaging"; Align-GVGD: "Class C0"). This variant has not been reported in the literature in individuals affected with DOCK6-related conditions. This variant is not present in population databases (gnomAD no frequency). This sequence change replaces glutamic acid, which is acidic and polar, with lysine, which is basic and polar, at codon 1657 of the DOCK6 protein (p.Glu1657Lys). In summary, the available evidence is currently insufficient to determine the role of this variant in disease. Therefore, it has been classified as a Variant of Uncertain Significance.